The following is an entry in ClinVar:

NM_001395002.1(MAP4K4):c.1316A>G (p.Glu439Gly)

Gene: MAP4K4 (mitogen-activated protein kinase kinase kinase kinase 4; plus strand). Cytogenetic location: 2q11.2.
Variant type: single nucleotide variant.
Coding change: c.1316A>G on transcript NM_001395002.1 (MANE Select); coding-DNA position 1316, A replaced by G.
Protein change: p.Glu439Gly; replaces glutamic acid 439 with glycine.
Molecular consequence: missense variant. On other transcripts: non-coding transcript variant (4).
Genome position (GRCh38, 1-based): chr2:101,856,059, A>G. VCF-style: chr2-101856059-A-G. GRCh37 (hg19) VCF-style: chr2-102472521-A-G.
Other names: c.1316A>G, p.Glu439Gly (NM_001384495.1, NM_001384496.1, NM_001384497.1 and 28 more transcripts); c.1289A>G, p.Glu430Gly (NM_001384558.1, NM_001384559.1, NM_001384560.1 and 16 more transcripts); short protein forms E430G, E439G.
Identifiers: ClinVar variation 3767494 (VCV003767494.2).

ClinVar aggregate classification (germline): Uncertain significance (1 of 4 stars; one submission).

gnomAD v4.1: 1 of 1,551,798 alleles (0.000064%); highest among the groups gnomAD compares: Middle Eastern, 0.017%; no homozygotes.

Submission:

GeneDx
Classification: Uncertain significance. Last evaluated: 2026-09-02. Review status: criteria provided, single submitter. Criteria: GeneDx Variant Classification Process June 2021. Collection method: clinical testing. Allele origin: germline.
Comment: Not observed at significant frequency in large population cohorts (gnomAD); In silico analysis supports that this missense variant has a deleterious effect on protein structure/function; Has not been previously published as pathogenic or benign to our knowledge